The following is an entry in ClinVar:

ClinVar aggregate classification (germline): Uncertain significance (1 of 4 stars; one submission).

gnomAD v4.1: 4 of 1,610,542 alleles (0.00025%); highest among the groups gnomAD compares: Non-Finnish European, 0.00034%; no homozygotes.

Submission:

GeneDx
Classification: Uncertain significance. Last evaluated: 2023-11-11. Review status: criteria provided, single submitter. Criteria: GeneDx Variant Classification Process June 2021. Collection method: clinical testing. Allele origin: germline. Affected: yes.
Comment: Identified in a patient with childhood-onset epilepsy (PMID: 30977854); Not observed at significant frequency in large population cohorts (gnomAD); In silico analysis supports that this missense variant has a deleterious effect on protein structure/function; This variant is associated with the following publications: (PMID: 30977854)

NM_006922.4(SCN3A):c.454G>A (p.Asp152Asn)

Gene: SCN3A (sodium voltage-gated channel alpha subunit 3; minus strand). Cytogenetic location: 2q24.3.
Variant type: single nucleotide variant.
Coding change: c.454G>A on transcript NM_006922.4 (MANE Select); coding-DNA position 454, G replaced by A.
Protein change: p.Asp152Asn; replaces aspartic acid 152 with asparagine.
Molecular consequence: missense variant.
Genome position (GRCh38, 1-based): chr2:165,168,755, C>T on the plus strand (G>A on the coding strand, the complement: SCN3A is on the minus strand). VCF-style: chr2-165168755-C-T. GRCh37 (hg19) VCF-style: chr2-166025265-C-T.
Other names: c.454G>A, p.Asp152Asn (NM_001081676.2, NM_001081677.2); short protein forms D152N.
Identifiers: ClinVar variation 3364192 (VCV003364192.1).